The following is an entry in ClinVar:

NM_001394998.1(TANC2):c.5243T>C (p.Ile1748Thr)

Gene: TANC2 (tetratricopeptide repeat, ankyrin repeat and coiled-coil containing 2; plus strand). Cytogenetic location: 17q23.3.
Variant type: single nucleotide variant.
Coding change: c.5243T>C on transcript NM_001394998.1 (MANE Select); coding-DNA position 5243, T replaced by C.
Protein change: p.Ile1748Thr; replaces isoleucine 1748 with threonine.
Molecular consequence: missense variant.
Genome position (GRCh38, 1-based): chr17:63,420,973, T>C. VCF-style: chr17-63420973-T-C. GRCh37 (hg19) VCF-style: chr17-61498334-T-C.
Other names: c.5021T>C, p.Ile1674Thr (NM_001411076.1); c.4991T>C, p.Ile1664Thr (NM_025185.4); short protein forms I1748T, I1664T, I1674T.
Identifiers: ClinVar variation 2208618 (VCV002208618.3), dbSNP rs377743142, ClinGen allele CA8698401.

ClinVar aggregate classification (germline): Uncertain significance. Review status: criteria provided, multiple submitters, no conflicts (2 of 4 stars). 2 submissions from 2 submitters: Uncertain significance (2). Last evaluated 2024-12-16.

Conditions:
TANC2-related disorder. Also called: TANC2-related condition.
Inborn genetic diseases. Identifiers: MedGen C0950123, MeSH D030342.

Allele frequency attached by ClinVar (database versions not stated): gnomAD 0.00001; TOPMed 0.00002; gnomAD exomes 0.00003; ExAC 0.00004.
gnomAD v4.1: 48 of 1,613,788 alleles (0.003%); highest among the groups gnomAD compares: South Asian, 0.012%; no homozygotes.

Submissions (2):

PreventionGenetics, part of Exact Sciences
Classification: Uncertain significance for TANC2-related condition. Last evaluated: 2024-12-16. Review status: criteria provided, single submitter. Criteria: ACMG Guidelines, 2015. Collection method: clinical testing. Allele origin: germline.
Comment: The TANC2 c.4991T>C variant is predicted to result in the amino acid substitution p.Ile1664Thr. To our knowledge, this variant has not been reported in the literature. This variant is reported in 0.0065% of alleles in individuals of South Asian descent in gnomAD. At this time, the clinical significance of this variant is uncertain due to the absence of conclusive functional and genetic evidence.

Ambry Genetics
Classification: Uncertain significance for Inborn genetic diseases. Last evaluated: 2021-06-18. Review status: criteria provided, single submitter. Criteria: Ambry Variant Classification Scheme 2023. Collection method: clinical testing. Allele origin: germline.